The following is an entry in ClinVar:

ClinVar aggregate classification (germline): Uncertain significance (1 of 4 stars; one submission).

Allele frequency attached by ClinVar (database versions not stated): gnomAD exomes below 0.00001.
gnomAD v4.1: 1 of 1,611,972 alleles (0.000062%); highest among the groups gnomAD compares: Admixed American, 0.0017%; no homozygotes.

Submission:

Greenwood Genetic Center Diagnostic Laboratories, Greenwood Genetic Center
Classification: Uncertain significance. Last evaluated: 2023-10-12. Review status: criteria provided, single submitter. Criteria: ACMG Guidelines, 2015. Collection method: clinical testing. Allele origin: germline. Affected: yes.
Comment: PM2

NM_001003694.2(BRPF1):c.1255C>A (p.Leu419Ile)

Gene: BRPF1 (bromodomain and PHD finger containing 1; plus strand). Cytogenetic location: 3p25.3.
Variant type: single nucleotide variant.
Coding change: c.1255C>A on transcript NM_001003694.2 (MANE Select); coding-DNA position 1255, C replaced by A.
Protein change: p.Leu419Ile; replaces leucine 419 with isoleucine.
Molecular consequence: missense variant. On other transcripts: non-coding transcript variant (1).
Genome position (GRCh38, 1-based): chr3:9,739,654, C>A. VCF-style: chr3-9739654-C-A. GRCh37 (hg19) VCF-style: chr3-9781338-C-A.
Other names: c.1255C>A, p.Leu419Ile (NM_001319049.2, NM_001319050.2, NM_001410704.1 and 1 more transcripts); short protein forms L419I.
Identifiers: ClinVar variation 2692544 (VCV002692544.1), dbSNP rs2471472959, ClinGen allele CA351687719.
Genomic context (GRCh38, chr3:9,739,654, plus strand): 5'-CAGTGCCACAAGGCCAACTGTTACACAGCTTTCCATGTGACATGCGCCCAGCAGGCTGGC[C>A]TTTACATGAAGATGGAGCCTGTGCGGGAGACAGGCGCCAACGGCACCTCTTTCAGTGTCC-3'
Protein context (NP_001003694.1, residues 409-429): FHVTCAQQAG[Leu419Ile]YMKMEPVRET